The following is an entry in ClinVar:

NM_000388.4(CASR):c.3214dup (p.Thr1072fs)

Gene: CASR (calcium sensing receptor; plus strand). Cytogenetic location: 3q21.1.
Variant type: Duplication.
Coding change: c.3214dup on transcript NM_000388.4 (MANE Select); coding-DNA position 3214, one base duplicated (A; older notation c.3214dupA).
Protein change: p.Thr1072fs; shifts the reading frame from threonine 1072.
Molecular consequence: frameshift variant.
Genome position (GRCh38, 1-based): chr3:122,285,168, A duplicated. VCF-style (leftmost placement, unchanged base first): chr3-122285167-T-TA. GRCh37 (hg19) VCF-style: chr3-122004014-T-TA.
Other names: c.3244dup, p.Thr1082fs (NM_001178065.2); short protein forms T1072fs, T1082fs.
Identifiers: ClinVar variation 4075509 (VCV004075509.1).

ClinVar aggregate classification (germline): Uncertain significance (1 of 4 stars; one submission).

Submission:

GeneDx
Classification: Uncertain significance. Last evaluated: 2025-02-12. Review status: criteria provided, single submitter. Criteria: GeneDx Variant Classification Process June 2021. Collection method: clinical testing. Allele origin: germline. Affected: yes.
Comment: Not observed at significant frequency in large population cohorts (gnomAD); Frameshift variant predicted to result in abnormal protein length as the last seven amino acids are replaced with 42 different amino acids; Has not been previously published as pathogenic or benign to our knowledge